The following is an entry in ClinVar:

ClinVar aggregate classification (germline): Uncertain significance (1 of 4 stars; one submission).

gnomAD v4.1: 2 of 1,614,208 alleles (0.00012%); highest among the groups gnomAD compares: Admixed American, 0.0033%; no homozygotes.

Submission:

GeneDx
Classification: Uncertain significance. Last evaluated: 2023-03-29. Review status: criteria provided, single submitter. Criteria: GeneDx Variant Classification Process June 2021. Collection method: clinical testing. Allele origin: germline. Affected: yes.
Comment: Not observed at significant frequency in large population cohorts (gnomAD); In silico analysis supports that this missense variant has a deleterious effect on protein structure/function; Has not been previously published as pathogenic or benign to our knowledge

NM_005121.3(MED13):c.3266A>G (p.Asn1089Ser)

Gene: MED13 (mediator complex subunit 13; minus strand). Cytogenetic location: 17q23.2.
Variant type: single nucleotide variant.
Coding change: c.3266A>G on transcript NM_005121.3 (MANE Select); coding-DNA position 3266, A replaced by G.
Protein change: p.Asn1089Ser; replaces asparagine 1089 with serine.
Molecular consequence: missense variant.
Genome position (GRCh38, 1-based): chr17:61,982,737, T>C on the plus strand (A>G on the coding strand, the complement: MED13 is on the minus strand). VCF-style: chr17-61982737-T-C. GRCh37 (hg19) VCF-style: chr17-60060098-T-C.
Other names: short protein forms N1089S.
Identifiers: ClinVar variation 3342927 (VCV003342927.1).
Genomic context (GRCh38, chr17:61,982,737, plus strand): 5'-ACTCCAACATCGGCACCCTTGATGTTCATGTTGCAAACACAGATGCAACAACTATCAAAG[T>C]TACAGTCTTTAAACAAATTCATAACTGATTCTGAAAGGATGAGGTTTACATAAAGACTGT-3'
Protein context (NP_005112.2, residues 1079-1099): ESVMNLFKDC[Asn1089Ser]FDSCCICVCN